The following is an entry in ClinVar:

ClinVar aggregate classification (germline): Likely benign. Review status: criteria provided, multiple submitters, no conflicts (2 of 4 stars). 3 submissions from 3 submitters: Likely benign (2). 1 of the submissions does not count toward it. Last evaluated 2025-06-12.

Conditions:
NDE1-related disorder. Also called: NDE1-related condition; NDE1-Related Disorders.

Allele frequency attached by ClinVar (database versions not stated): gnomAD exomes 0.00002 and 0.00007; ExAC 0.00007; ESP Exome Variant Server 0.00023; gnomAD 0.00037 and 0.00044; TOPMed 0.00051.
gnomAD v4.1: 93 of 1,613,990 alleles (0.0058%); highest among the groups gnomAD compares: African/African-American, 0.11%; no homozygotes.

Submissions (3):

Labcorp Genetics (formerly Invitae), Labcorp
Classification: Likely benign. Last evaluated: 2025-06-12. Review status: criteria provided, single submitter. Criteria: Invitae Variant Classification Sherloc (09022015). Collection method: clinical testing. Allele origin: germline.

Blueprint Genetics
Classification: Likely benign. Last evaluated: 2024-03-19. Review status: criteria provided, single submitter. Criteria: ACMG Guidelines, 2015. Collection method: clinical testing. Allele origin: germline.

PreventionGenetics, part of Exact Sciences
Classification: Likely benign for NDE1-related condition. Last evaluated: 2024-08-22. Review status: no assertion criteria provided. Collection method: clinical testing. Allele origin: germline. Not counted in ClinVar's aggregate classification.
Comment: This variant is classified as likely benign based on ACMG/AMP sequence variant interpretation guidelines (Richards et al. 2015 PMID: 25741868, with internal and published modifications).

NM_017668.3(NDE1):c.147A>G (p.Glu49=)

Gene: NDE1 (nudE neurodevelopment protein 1; plus strand). Cytogenetic location: 16p13.11.
Variant type: single nucleotide variant.
Coding change: c.147A>G on transcript NM_017668.3 (MANE Select); coding-DNA position 147, A replaced by G.
Protein change: p.Glu49=; no amino-acid change (glutamic acid 49 retained).
Molecular consequence: synonymous variant.
Genome position (GRCh38, 1-based): chr16:15,667,349, A>G. VCF-style: chr16-15667349-A-G. GRCh37 (hg19) VCF-style: chr16-15761206-A-G.
Other names: c.147A>G, p.Glu49= (NM_001143979.2).
Identifiers: ClinVar variation 712177 (VCV000712177.10), dbSNP rs142618704, ClinGen allele CA7920511.